The following is an entry in ClinVar:

NM_003718.5(CDK13):c.1153A>C (p.Ser385Arg)

Gene: CDK13 (cyclin dependent kinase 13; plus strand). Cytogenetic location: 7p14.1.
Variant type: single nucleotide variant.
Coding change: c.1153A>C on transcript NM_003718.5 (MANE Select); coding-DNA position 1153, A replaced by C.
Protein change: p.Ser385Arg; replaces serine 385 with arginine.
Molecular consequence: missense variant.
Genome position (GRCh38, 1-based): chr7:39,951,794, A>C. VCF-style: chr7-39951794-A-C. GRCh37 (hg19) VCF-style: chr7-39991393-A-C.
Other names: c.1153A>C, p.Ser385Arg (NM_031267.4); short protein forms S385R.
Identifiers: ClinVar variation 3777325 (VCV003777325.1).
Genomic context (GRCh38, chr7:39,951,794, plus strand): 5'-CGCCGCTCCCCCAGCTACAGCCGCCACAGCTCCTACGAGCGGGGCGGCGACGTGTCCCCT[A>C]GTCCCTACAGCAGCAGCAGCTGGCGCCGCTCTCGCAGTCCCTACAGCCCTGTGCTCAGGT-3'
Protein context (NP_003709.3, residues 375-395): SYERGGDVSP[Ser385Arg]PYSSSSWRRS

ClinVar aggregate classification (germline): Uncertain significance (1 of 4 stars; one submission).

Submission:

GeneDx
Classification: Uncertain significance. Last evaluated: 2024-10-09. Review status: criteria provided, single submitter. Criteria: GeneDx Variant Classification Process June 2021. Collection method: clinical testing. Allele origin: germline. Affected: yes.
Comment: Not observed at significant frequency in large population cohorts (gnomAD); In silico analysis supports that this missense variant has a deleterious effect on protein structure/function; Has not been previously published as pathogenic or benign to our knowledge